The following is an entry in ClinVar:

ClinVar aggregate classification (germline): Uncertain significance (1 of 4 stars; one submission).

Conditions:
Multiple endocrine neoplasia, type 1 (MEN1). Also called: MEN I; WERMER SYNDROME; Endocrine adenomatosis multiple; MEN 1; MEA I. Identifiers: Orphanet 652, MedGen C0025267, MeSH D018761, MONDO:0007540, OMIM 131100.

Submission:

Labcorp Genetics (formerly Invitae), Labcorp
Classification: Uncertain significance for Multiple endocrine neoplasia, type 1. Last evaluated: 2024-05-15. Review status: criteria provided, single submitter. Criteria: Invitae Variant Classification Sherloc (09022015). Collection method: clinical testing. Allele origin: germline.
Comment: This sequence change replaces histidine, which is basic and polar, with glutamine, which is neutral and polar, at codon 303 of the MEN1 protein (p.His303Gln). This variant is not present in population databases (gnomAD no frequency). This variant has not been reported in the literature in individuals affected with MEN1-related conditions. Advanced modeling of protein sequence and biophysical properties (such as structural, functional, and spatial information, amino acid conservation, physicochemical variation, residue mobility, and thermodynamic stability) performed at Invitae indicates that this missense variant is not expected to disrupt MEN1 protein function with a negative predictive value of 95%. In summary, the available evidence is currently insufficient to determine the role of this variant in disease. Therefore, it has been classified as a Variant of Uncertain Significance.

NM_001370259.2(MEN1):c.909C>G (p.His303Gln)

Gene: MEN1 (menin 1; minus strand). Cytogenetic location: 11q13.1.
Variant type: single nucleotide variant.
Coding change: c.909C>G on transcript NM_001370259.2 (MANE Select); coding-DNA position 909, C replaced by G.
Protein change: p.His303Gln; replaces histidine 303 with glutamine.
Molecular consequence: missense variant. On other transcripts: non-coding transcript variant (4).
Genome position (GRCh38, 1-based): chr11:64,807,014, G>C on the plus strand (C>G on the coding strand, the complement: MEN1 is on the minus strand). VCF-style: chr11-64807014-G-C. GRCh37 (hg19) VCF-style: chr11-64574486-G-C.
Other names: c.804C>G, p.His268Gln (NM_001407148.1, NM_001407149.1, NM_001407151.1 and 2 more transcripts); c.924C>G, p.His308Gln (NM_001407150.1, NM_000244.4, NM_001407145.1 and 5 more transcripts); c.909C>G, p.His303Gln (NM_001407152.1, NM_001370251.2, NM_001370260.2 and 7 more transcripts); short protein forms H268Q, H303Q, H308Q.
Identifiers: ClinVar variation 3672356 (VCV003672356.2).
Genomic context (GRCh38, chr11:64,807,014, plus strand): 5'-CCCCTGCCTCAGCCACTGTTAGGGTCTCCCTTCTGCACCCTCCTTAGATGCCCCCACCTT[G>C]TGGTAGAGGGTGAGTGGGTCTGGCCGGCCAGGGGTGGGCTCCAGCTCCTCTAGATCTGCC-3'
Protein context (NP_001357188.2, residues 293-313): PGRPDPLTLY[His303Gln]KGIASAKTYY